The following is an entry in ClinVar:

ClinVar aggregate classification (germline): Benign/Likely benign. Review status: criteria provided, multiple submitters, no conflicts (2 of 4 stars). 3 submissions from 3 submitters: Benign (1); Likely benign (2). Last evaluated 2026-01-01.

Conditions:
Hereditary cancer-predisposing syndrome. Also called: Tumor predisposition; Neoplastic Syndromes, Hereditary; Hereditary Cancer Syndrome; Hereditary neoplastic syndrome. Identifiers: Orphanet 140162, MedGen C0027672, MeSH D009386, MONDO:0015356.
Melanoma, cutaneous malignant, susceptibility to, 3. Also called: Cutaneous malignant melanoma 3. Identifiers: Orphanet 618, MedGen C1836892, MONDO:0012183, OMIM 609048.
Familial melanoma. Also called: Hereditary melanoma; Hereditary cutaneous melanoma. Identifiers: Orphanet 618, MedGen C1512419, MONDO:0018961.

Allele frequency attached by ClinVar (database versions not stated): gnomAD exomes below 0.00001; gnomAD 0.00002; TOPMed 0.00002.
gnomAD v4.1: 9 of 1,614,000 alleles (0.00056%); highest among the groups gnomAD compares: Admixed American, 0.0083%; 1 homozygote.

Submissions (3):

Labcorp Genetics (formerly Invitae), Labcorp
Classification: Likely benign for Familial melanoma. Last evaluated: 2026-01-01. Review status: criteria provided, single submitter. Criteria: Invitae Variant Classification Sherloc (09022015). Collection method: clinical testing. Allele origin: germline.

Myriad Genetics, Inc.
Classification: Benign for Melanoma, cutaneous malignant, susceptibility to, 3. Last evaluated: 2024-09-24. Review status: criteria provided, single submitter. Criteria: Myriad Autosomal Dominant, Autosomal Recessive and X-Linked Classification Criteria (2023). Collection method: clinical testing. Allele origin: unknown.
Comment: This variant is considered benign. This variant is a silent/synonymous amino acid change and it is not expected to impact splicing.

Ambry Genetics
Classification: Likely benign for Hereditary cancer-predisposing syndrome. Last evaluated: 2024-08-21. Review status: criteria provided, single submitter. Criteria: Ambry Variant Classification Scheme 2023. Collection method: clinical testing. Allele origin: germline.

NM_000075.4(CDK4):c.178C>T (p.Leu60=)

Genes: CDK4 (cyclin dependent kinase 4; minus strand), LOC130008148 (ATAC-STARR-seq lymphoblastoid silent region 4588; plus strand). Cytogenetic location: 12q14.1.
Variant type: single nucleotide variant.
Coding change: c.178C>T on transcript NM_000075.4 (MANE Select); coding-DNA position 178, C replaced by T.
Protein change: p.Leu60=; no amino-acid change (leucine 60 retained).
Molecular consequence: synonymous variant.
Genome position (GRCh38, 1-based): chr12:57,751,540, G>A on the plus strand (C>T on the coding strand, the complement: CDK4 is on the minus strand). VCF-style: chr12-57751540-G-A. GRCh37 (hg19) VCF-style: chr12-58145323-G-A.
Identifiers: ClinVar variation 761928 (VCV000761928.11), dbSNP rs1595110993, ClinGen allele CA480404835.